The following is an entry in ClinVar:

ClinVar aggregate classification (germline): Conflicting classifications of pathogenicity. Review status: criteria provided, conflicting classifications (1 of 4 stars). 8 submissions from 8 submitters: Uncertain significance (4); Likely benign (4). Last evaluated 2026-01-11.

Conditions:
Cardiovascular phenotype. Identifiers: MedGen CN230736.
RASopathy. Also called: rasopathies; Noonan spectrum disorder. Identifiers: Orphanet 536391, MedGen C5555857, MONDO:0021060.
Fibromatosis, gingival, 1 (GINGF1). Identifiers: Orphanet 2024, MedGen C4551558, MONDO:0007609, OMIM 135300.

Allele frequency attached by ClinVar (database versions not stated): gnomAD exomes 0.00009 and 0.00011; TOPMed 0.00009; gnomAD 0.00010; ExAC 0.00012; ESP Exome Variant Server 0.00023.
gnomAD v4.1: 139 of 1,591,100 alleles (0.0087%); highest among the groups gnomAD compares: Non-Finnish European, 0.011%; 1 homozygote.

Submissions (8):

Labcorp Genetics (formerly Invitae), Labcorp
Classification: Uncertain significance for RASopathy. Last evaluated: 2026-01-11. Review status: criteria provided, single submitter. Criteria: Invitae Variant Classification Sherloc (09022015). Collection method: clinical testing. Allele origin: germline.
Comment: This sequence change replaces arginine, which is basic and polar, with lysine, which is basic and polar, at codon 722 of the SOS1 protein (p.Arg722Lys). This variant is present in population databases (rs142666652, gnomAD 0.03%). This variant has not been reported in the literature in individuals affected with SOS1-related conditions. ClinVar contains an entry for this variant (Variation ID: 477718). An algorithm developed to predict the effect of missense changes on protein structure and function (PolyPhen-2) suggests that this variant is likely to be tolerated. In summary, the available evidence is currently insufficient to determine the role of this variant in disease. Therefore, it has been classified as a Variant of Uncertain Significance.

Revvity Omics, Revvity
Classification: Uncertain significance. Last evaluated: 2025-06-11. Review status: criteria provided, single submitter. Criteria: ACMG Guidelines, 2015. Collection method: clinical testing. Allele origin: germline.

Women's Health and Genetics/Laboratory Corporation of America, LabCorp
Classification: Likely benign. Last evaluated: 2025-03-19. Review status: criteria provided, single submitter. Criteria: LabCorp Variant Classification Summary - May 2015. Collection method: clinical testing. Allele origin: germline.
Comment: Variant summary: SOS1 c.2165G>A (p.Arg722Lys) results in a conservative amino acid change in the encoded protein sequence. Four of five in-silico tools predict a benign effect of the variant on protein function. Consensus agreement among computation tools predict no significant impact on normal splicing. However, these predictions have yet to be confirmed by functional studies. The variant allele was found at a frequency of 0.00011 in 250558 control chromosomes, predominantly at a frequency of 0.00023 within the Non-Finnish European subpopulation in the gnomAD database. The observed variant frequency within Non-Finnish European control individuals in the gnomAD database is approximately 7-fold of the estimated maximal expected allele frequency for a pathogenic variant in SOS1 causing Noonan Syndrome And Related Conditions phenotype (3e-05). To our knowledge, no occurrence of c.2165G>A in individuals affected with Noonan Syndrome And Related Conditions and no experimental evidence demonstrating its impact on protein function have been reported. ClinVar contains an entry for this variant (Variation ID: 477718). Based on the evidence outlined above, the variant was classified as likely benign.

Blueprint Genetics
Classification: Likely benign. Last evaluated: 2024-11-06. Review status: criteria provided, single submitter. Criteria: ACMG Guidelines, 2015. Collection method: clinical testing. Allele origin: germline.

CeGaT Center for Human Genetics Tuebingen
Classification: Likely benign. Last evaluated: 2024-10-01. Review status: criteria provided, single submitter. Criteria: CeGaT Center For Human Genetics Tuebingen Variant Classification Criteria Version 2. Collection method: clinical testing. Allele origin: germline. Affected: yes. Observed: 3 variant alleles.
Comment: SOS1: BS2

Clinical Genomics Laboratory, Stanford Medicine
Classification: Uncertain significance for Fibromatosis, gingival, 1. Last evaluated: 2021-06-04. Review status: criteria provided, single submitter. Criteria: ACMG Guidelines, 2015. Collection method: clinical testing. Allele origin: germline. Affected: yes. Observed: 1 heterozygote.
Comment: • The p.Arg722Lys variant in the SOS1 gene has not been previously reported in association with disease. • This variant has been identified in 31/128,362 European chromosomes by the Genome Aggregation Database. • Computational tools predict that this variant does not impact protein function; however, the accuracy of in silico algorithms is limited. • These data were assessed using the ACMG/AMP variant interpretation guidelines. In summary, the significance of the p.Arg722Lys variant is uncertain. Additional information is needed to resolve the significance of this variant. [ACMG evidence codes used: BP4]

Centre for Mendelian Genomics, University Medical Centre Ljubljana
Classification: Uncertain significance for Fibromatosis, gingival, 1. Last evaluated: 2020-02-27. Review status: criteria provided, single submitter. Criteria: ACMG Guidelines, 2015. Collection method: clinical testing. Allele origin: unknown. Affected: yes.
Comment: This variant was classified as: Uncertain significance. The available evidence on this variant's pathogenicity is insufficient or conflicting. The following ACMG criteria were applied in classifying this variant: BS2.

Ambry Genetics
Classification: Likely benign for Cardiovascular phenotype. Last evaluated: 2019-07-19. Review status: criteria provided, single submitter. Criteria: Ambry Variant Classification Scheme 2023. Collection method: clinical testing. Allele origin: germline.

NM_005633.4(SOS1):c.2165G>A (p.Arg722Lys)

Gene: SOS1 (SOS Ras/Rac guanine nucleotide exchange factor 1; minus strand). Cytogenetic location: 2p22.1.
Variant type: single nucleotide variant.
Coding change: c.2165G>A on transcript NM_005633.4 (MANE Select); coding-DNA position 2165, G replaced by A.
Protein change: p.Arg722Lys; replaces arginine 722 with lysine.
Molecular consequence: missense variant.
Genome position (GRCh38, 1-based): chr2:39,013,462, C>T on the plus strand (G>A on the coding strand, the complement: SOS1 is on the minus strand). VCF-style: chr2-39013462-C-T. GRCh37 (hg19) VCF-style: chr2-39240603-C-T.
Other names: p.Arg722Lys; c.2144G>A, p.Arg715Lys (NM_001382394.1); c.2165G>A, p.Arg722Lys (NM_001382395.1); short protein forms R722K, R715K.
Identifiers: ClinVar variation 477718 (VCV000477718.39), dbSNP rs142666652, ClinGen allele CA1624457.